The following is an entry in ClinVar:

NM_020247.5(COQ8A):c.1131C>T (p.Ala377=)

Gene: COQ8A (coenzyme Q8A; plus strand). Cytogenetic location: 1q42.13.
Variant type: single nucleotide variant.
Coding change: c.1131C>T on transcript NM_020247.5 (MANE Select); coding-DNA position 1131, C replaced by T.
Protein change: p.Ala377=; no amino-acid change (alanine 377 retained).
Molecular consequence: synonymous variant.
Genome position (GRCh38, 1-based): chr1:226,983,602, C>T. VCF-style: chr1-226983602-C-T. GRCh37 (hg19) VCF-style: chr1-227171303-C-T.
Other names: c.1131C>T (NM_020247.4).
Identifiers: ClinVar variation 2956895 (VCV002956895.5), dbSNP rs535444320, ClinGen allele CA1425318.
Genomic context (GRCh38, chr1:226,983,602, plus strand): 5'-ACCCCCACAGTACCCTGGCGTGGCCCAGAGCATCAACAGTGATGTCAACAACCTCATGGC[C>T]GTGTTGAACATGAGCAACATGCTTCCAGAAGGTCTGAGGCTAGGTGGTTGGGTCAAGGGC-3'
Protein context (NP_064632.2, residues 367-387): SINSDVNNLM[Ala377=]VLNMSNMLPE

ClinVar aggregate classification (germline): Likely benign. Review status: criteria provided, single submitter (1 of 4 stars). 2 submissions from 2 submitters: Likely benign (1). 1 of the submissions does not count toward it. Last evaluated 2025-10-29.

Conditions:
COQ8A-related disorder. Also called: COQ8A-related condition.

Allele frequency attached by ClinVar (database versions not stated): gnomAD 0.00009; 1000 Genomes Project 30x 0.00125; gnomAD exomes 0.00007; 1000 Genomes Project 0.00080; TOPMed 0.00007; ExAC 0.00017.
gnomAD v4.1: 109 of 1,614,004 alleles (0.0068%); highest among the groups gnomAD compares: South Asian, 0.078%; no homozygotes.

Submissions (2):

Labcorp Genetics (formerly Invitae), Labcorp
Classification: Likely benign. Last evaluated: 2025-10-29. Review status: criteria provided, single submitter. Criteria: Invitae Variant Classification Sherloc (09022015). Collection method: clinical testing. Allele origin: germline.

PreventionGenetics, part of Exact Sciences
Classification: Likely benign for COQ8A-related condition. Last evaluated: 2020-03-03. Review status: no assertion criteria provided. Collection method: clinical testing. Allele origin: germline. Not counted in ClinVar's aggregate classification.
Comment: This variant is classified as likely benign based on ACMG/AMP sequence variant interpretation guidelines (Richards et al. 2015 PMID: 25741868, with internal and published modifications).